The following is an entry in ClinVar:

NM_001369.3(DNAH5):c.9764T>G (p.Val3255Gly)

Gene: DNAH5 (dynein axonemal heavy chain 5; minus strand). Cytogenetic location: 5p15.2.
Variant type: single nucleotide variant.
Coding change: c.9764T>G on transcript NM_001369.3 (MANE Select); coding-DNA position 9764, T replaced by G.
Protein change: p.Val3255Gly; replaces valine 3255 with glycine.
Molecular consequence: missense variant.
Genome position (GRCh38, 1-based): chr5:13,769,093, A>C on the plus strand (T>G on the coding strand, the complement: DNAH5 is on the minus strand). VCF-style: chr5-13769093-A-C. GRCh37 (hg19) VCF-style: chr5-13769202-A-C.
Other names: short protein forms V3255G.
Identifiers: ClinVar variation 1514797 (VCV001514797.5), dbSNP rs2126776737, ClinGen allele CA359202206.
Genomic context (GRCh38, chr5:13,769,093, plus strand): 5'-TTAGAGATGCTGTCCACAATGGCCTGGGCCCTGTCCTTCACCTTCTGTACCTCAGCCTTG[A>C]CCTTTTCAGCAGCCTGTGCTTTCATTGTCACTTCTTTTAAGACCTAATTCAATATAAAGC-3'
Protein context (NP_001360.1, residues 3245-3265): VTMKAQAAEK[Val3255Gly]KAEVQKVKDR

ClinVar aggregate classification (germline): Uncertain significance (1 of 4 stars; one submission).

Conditions:
Primary ciliary dyskinesia. Also called: Ciliary dyskinesia. Identifiers: Orphanet 244, MedGen C0008780, MONDO:0016575, HP:0012265.

Submission:

Labcorp Genetics (formerly Invitae), Labcorp
Classification: Uncertain significance for Primary ciliary dyskinesia. Last evaluated: 2021-09-01. Review status: criteria provided, single submitter. Criteria: Invitae Variant Classification Sherloc (09022015). Collection method: clinical testing. Allele origin: germline.
Comment: This sequence change replaces valine with glycine at codon 3255 of the DNAH5 protein (p.Val3255Gly). The valine residue is highly conserved and there is a moderate physicochemical difference between valine and glycine. This variant is not present in population databases (ExAC no frequency). This variant has not been reported in the literature in individuals affected with DNAH5-related conditions. Algorithms developed to predict the effect of missense changes on protein structure and function (SIFT, PolyPhen-2, Align-GVGD) all suggest that this variant is likely to be disruptive. In summary, the available evidence is currently insufficient to determine the role of this variant in disease. Therefore, it has been classified as a Variant of Uncertain Significance.